The following is an entry in ClinVar:

ClinVar aggregate classification (germline): Uncertain significance. Review status: criteria provided, multiple submitters, no conflicts (2 of 4 stars). 2 submissions from 2 submitters: Uncertain significance (2). Last evaluated 2023-01-11.

Conditions:
Inborn genetic diseases. Identifiers: MedGen C0950123, MeSH D030342.

Allele frequency attached by ClinVar (database versions not stated): TOPMed below 0.00001; gnomAD 0.00001 and 0.00002; gnomAD exomes 0.00002 and 0.00003; ExAC 0.00004; 1000 Genomes Project 30x 0.00016; 1000 Genomes Project 0.00020.
gnomAD v4.1: 24 of 1,614,102 alleles (0.0015%); highest among the groups gnomAD compares: Admixed American, 0.0017%; no homozygotes.

Submissions (2):

Ambry Genetics
Classification: Uncertain significance for Inborn genetic diseases. Last evaluated: 2023-01-11. Review status: criteria provided, single submitter. Criteria: Ambry Variant Classification Scheme 2023. Collection method: clinical testing. Allele origin: germline.

Labcorp Genetics (formerly Invitae), Labcorp
Classification: Uncertain significance. Last evaluated: 2022-07-06. Review status: criteria provided, single submitter. Criteria: Invitae Variant Classification Sherloc (09022015). Collection method: clinical testing. Allele origin: germline.
Comment: This sequence change replaces valine, which is neutral and non-polar, with isoleucine, which is neutral and non-polar, at codon 478 of the ATP1A1 protein (p.Val478Ile). This variant is present in population databases (rs201409287, gnomAD 0.02%). This variant has not been reported in the literature in individuals affected with ATP1A1-related conditions. ClinVar contains an entry for this variant (Variation ID: 1447725). Advanced modeling of protein sequence and biophysical properties (such as structural, functional, and spatial information, amino acid conservation, physicochemical variation, residue mobility, and thermodynamic stability) performed at Invitae indicates that this missense variant is not expected to disrupt ATP1A1 protein function. In summary, the available evidence is currently insufficient to determine the role of this variant in disease. Therefore, it has been classified as a Variant of Uncertain Significance.

NM_000701.8(ATP1A1):c.1432G>A (p.Val478Ile)

Genes: ATP1A1 (ATPase Na+/K+ transporting subunit alpha 1; plus strand), ATP1A1-AS1 (ATP1A1 antisense RNA 1; minus strand). Cytogenetic location: 1p13.1.
Variant type: single nucleotide variant.
Coding change: c.1432G>A on transcript NM_000701.8 (MANE Select); coding-DNA position 1432, G replaced by A.
Protein change: p.Val478Ile; replaces valine 478 with isoleucine.
Molecular consequence: missense variant. On other transcripts: non-coding transcript variant (1).
Genome position (GRCh38, 1-based): chr1:116,392,953, G>A. VCF-style: chr1-116392953-G-A. GRCh37 (hg19) VCF-style: chr1-116935575-G-A.
Other names: c.1432G>A, p.Val478Ile (NM_001160233.2); c.1339G>A, p.Val447Ile (NM_001160234.2); c.1432G>A (NM_001160233.1); short protein forms V447I, V478I.
Identifiers: ClinVar variation 1447725 (VCV001447725.9), dbSNP rs201409287, ClinGen allele CA1025305.